The following is an entry in ClinVar:

ClinVar aggregate classification (germline): Likely benign. Review status: criteria provided, multiple submitters, no conflicts (2 of 4 stars). 4 submissions from 4 submitters: Likely benign (3). 1 of the submissions does not count toward it. Last evaluated 2025-11-03.

Conditions:
MPDZ-related disorder. Also called: MPDZ-related condition.

Allele frequency attached by ClinVar (database versions not stated): ESP Exome Variant Server 0.00009.
gnomAD v4.1: 439 of 1,585,290 alleles (0.028%); highest among the groups gnomAD compares: Non-Finnish European, 0.035%; no homozygotes.

Submissions (4):

Labcorp Genetics (formerly Invitae), Labcorp
Classification: Likely benign. Last evaluated: 2025-11-03. Review status: criteria provided, single submitter. Criteria: Invitae Variant Classification Sherloc (09022015). Collection method: clinical testing. Allele origin: germline.

CeGaT Center for Human Genetics Tuebingen
Classification: Likely benign. Last evaluated: 2024-12-01. Review status: criteria provided, single submitter. Criteria: CeGaT Center For Human Genetics Tuebingen Variant Classification Criteria Version 2. Collection method: clinical testing. Allele origin: germline. Affected: yes. Observed: 1 variant allele.
Comment: MPDZ: BP4, BP7

Blueprint Genetics
Classification: Likely benign. Last evaluated: 2024-10-17. Review status: criteria provided, single submitter. Criteria: ACMG Guidelines, 2015. Collection method: clinical testing. Allele origin: germline.

PreventionGenetics, part of Exact Sciences
Classification: Likely benign for MPDZ-related condition. Last evaluated: 2019-03-01. Review status: no assertion criteria provided. Collection method: clinical testing. Allele origin: germline. Not counted in ClinVar's aggregate classification.
Comment: This variant is classified as likely benign based on ACMG/AMP sequence variant interpretation guidelines (Richards et al. 2015 PMID: 25741868, with internal and published modifications).

NM_001378778.1(MPDZ):c.5589C>T (p.Val1863=)

Gene: MPDZ (multiple PDZ domain crumbs cell polarity complex component; minus strand). Cytogenetic location: 9p23.
Variant type: single nucleotide variant.
Coding change: c.5589C>T on transcript NM_001378778.1 (MANE Select); coding-DNA position 5589, C replaced by T.
Protein change: p.Val1863=; no amino-acid change (valine 1863 retained).
Molecular consequence: synonymous variant.
Genome position (GRCh38, 1-based): chr9:13,113,023, G>A on the plus strand (C>T on the coding strand, the complement: MPDZ is on the minus strand). VCF-style: chr9-13113023-G-A. GRCh37 (hg19) VCF-style: chr9-13113022-G-A.
Other names: c.5502C>T (NM_003829.4); c.5490C>T, p.Val1830= (NM_001261406.2, NM_001375416.1, NM_001375417.1 and 1 more transcripts); c.5403C>T, p.Val1801= (NM_001261407.2, NM_001375419.1); c.5589C>T, p.Val1863= (NM_001330637.2); c.5688C>T, p.Val1896= (NM_001375413.1); c.5379C>T, p.Val1793= (NM_001375420.1, NM_001375421.1, NM_001375422.1 and 2 more transcripts); c.5292C>T, p.Val1764= (NM_001375425.1, NM_001375426.1); c.5181C>T, p.Val1727= (NM_001375427.1); and 1 more.
Identifiers: ClinVar variation 1665998 (VCV001665998.24), dbSNP rs375001551, ClinGen allele CA4986202.